The following is an entry in ClinVar:

NM_000552.5(VWF):c.3622T>C (p.Ser1208Pro)

Gene: VWF (von Willebrand factor; minus strand). Cytogenetic location: 12p13.31.
Variant type: single nucleotide variant.
Coding change: c.3622T>C on transcript NM_000552.5 (MANE Select); coding-DNA position 3622, T replaced by C.
Protein change: p.Ser1208Pro; replaces serine 1208 with proline.
Molecular consequence: missense variant.
Genome position (GRCh38, 1-based): chr12:6,021,952, A>G on the plus strand (T>C on the coding strand, the complement: VWF is on the minus strand). VCF-style: chr12-6021952-A-G. GRCh37 (hg19) VCF-style: chr12-6131118-A-G.
Other names: c.3622T>C (NM_000552.4); short protein forms S1208P.
Identifiers: ClinVar variation 3980496 (VCV003980496.3).
Genomic context (GRCh38, chr12:6,021,952, plus strand): 5'-TGTTTTACCAAATCTGGCAGTGCTCAGGGTCACTGGGATTCAAGGTGACTTTCTTTCCTG[A>G]GGCAAAACGCCGGCCAGCCACCTCACACACTGGACAGTCTTCAGGGTCAACGCAGGTCTG-3'
Protein context (NP_000543.3, residues 1198-1218): VCEVAGRRFA[Ser1208Pro]GKKVTLNPSD

ClinVar aggregate classification (germline): Conflicting classifications of pathogenicity. Review status: criteria provided, conflicting classifications (1 of 4 stars). 3 submissions from 3 submitters: Uncertain significance (2); Likely benign (1). Last evaluated 2026-03-09.

Conditions:
VWF-related disorder. Also called: VWF-related condition; VWF-related disorders.
Inborn genetic diseases. Identifiers: MedGen C0950123, MeSH D030342.

gnomAD v4.1: 8 of 1,614,176 alleles (0.0005%); highest among the groups gnomAD compares: Admixed American, 0.0067%; no homozygotes.

Submissions (3):

PreventionGenetics, part of Exact Sciences
Classification: Uncertain significance for VWF-related condition. Last evaluated: 2026-03-09. Review status: criteria provided, single submitter. Criteria: ACMG Guidelines, 2015. Collection method: clinical testing. Allele origin: germline.
Comment: The VWF c.3622T>C variant is predicted to result in the amino acid substitution p.Ser1208Pro. To our knowledge, this variant has not been reported in the literature. This variant is reported in 0.0029% of alleles in individuals of Latino descent in gnomAD. At this time, the clinical significance of this variant is uncertain due to the absence of conclusive functional and genetic evidence.

Women's Health and Genetics/Laboratory Corporation of America, LabCorp
Classification: Uncertain significance. Last evaluated: 2025-09-26. Review status: criteria provided, single submitter. Criteria: LabCorp Variant Classification Summary - May 2015. Collection method: clinical testing. Allele origin: germline.
Comment: Variant summary: VWF c.3622T>C (p.Ser1208Pro) results in a non-conservative amino acid change in the encoded protein sequence. Algorithms developed to predict the effect of missense changes on protein structure and function are either unavailable or do not agree on the potential impact of this missense change. The variant allele was found at a frequency of 4e-06 in 251488 control chromosomes. The available data on variant occurrences in the general population are insufficient to allow any conclusion about variant significance. To our knowledge, no occurrence of c.3622T>C in individuals affected with VWF-related conditions and no experimental evidence demonstrating its impact on protein function have been reported. ClinVar contains an entry for this variant (Variation ID: 3980496). Based on the evidence outlined above, the variant was classified as uncertain significance.

Ambry Genetics
Classification: Likely benign for Inborn genetic diseases. Last evaluated: 2025-06-10. Review status: criteria provided, single submitter. Criteria: Ambry Variant Classification Scheme 2023. Collection method: clinical testing. Allele origin: germline.